The following is an entry in ClinVar:

NM_001080397.3(SLC45A1):c.177C>T (p.Ser59=)

Gene: SLC45A1 (solute carrier family 45 member 1; plus strand). Cytogenetic location: 1p36.23.
Variant type: single nucleotide variant.
Coding change: c.177C>T on transcript NM_001080397.3 (MANE Select); coding-DNA position 177, C replaced by T.
Protein change: p.Ser59=; no amino-acid change (serine 59 retained).
Molecular consequence: synonymous variant. On other transcripts: intron variant (2).
Genome position (GRCh38, 1-based): chr1:8,324,506, C>T. VCF-style: chr1-8324506-C-T. GRCh37 (hg19) VCF-style: chr1-8384566-C-T.
Other names: c.177C>T, p.Ser59= (NM_001379614.1, NM_001379615.1, NM_001379616.1); c.-116-1312C>T (NM_001379617.1, NM_001379618.1).
Identifiers: ClinVar variation 3058106 (VCV003058106.2), dbSNP rs112041749, ClinGen allele CA570019.
Genomic context (GRCh38, chr1:8,324,506, plus strand): 5'-CAGTCACCGGGCCAACAACTTCAAACGACACCCCAAGAGGAGGAAGTGCATTCGTCCCTC[C>T]CCACCCCCGCCCCCCAACACCCCGTGCCCGCTTGAGCTGGTGGACTTCGGGGACCTGCAC-3'
Protein context (NP_001073866.3, residues 49-69): HPKRRKCIRP[Ser59=]PPPPPNTPCP

ClinVar aggregate classification (germline): Likely benign (0 of 4 stars; one submission).

Conditions:
SLC45A1-related disorder. Also called: SLC45A1-related condition.

Allele frequency attached by ClinVar (database versions not stated): ExAC 0.00022; gnomAD 0.00068; ESP Exome Variant Server 0.00077; TOPMed 0.00077; 1000 Genomes Project 0.00160.

Submission:

PreventionGenetics, part of Exact Sciences
Classification: Likely benign for SLC45A1-related condition. Last evaluated: 2019-03-25. Review status: no assertion criteria provided. Collection method: clinical testing. Allele origin: germline.
Comment: This variant is classified as likely benign based on ACMG/AMP sequence variant interpretation guidelines (Richards et al. 2015 PMID: 25741868, with internal and published modifications).